The following is an entry in ClinVar:

NM_001130823.3(DNMT1):c.3097C>T (p.Arg1033Trp)

Gene: DNMT1 (DNA methyltransferase 1; minus strand). Cytogenetic location: 19p13.2.
Variant type: single nucleotide variant.
Coding change: c.3097C>T on transcript NM_001130823.3 (MANE Select); coding-DNA position 3097, C replaced by T.
Protein change: p.Arg1033Trp; replaces arginine 1033 with tryptophan.
Molecular consequence: missense variant.
Genome position (GRCh38, 1-based): chr19:10,143,785, G>A on the plus strand (C>T on the coding strand, the complement: DNMT1 is on the minus strand). VCF-style: chr19-10143785-G-A. GRCh37 (hg19) VCF-style: chr19-10254461-G-A.
Other names: c.3049C>T, p.Arg1017Trp (NM_001318730.2, NM_001379.4); c.2734C>T, p.Arg912Trp (NM_001318731.2); c.3097C>T (NM_001130823.2); short protein forms R1017W, R1033W, R912W.
Identifiers: ClinVar variation 952235 (VCV000952235.11), dbSNP rs144533539, ClinGen allele CA9187867.
Genomic context (GRCh38, chr19:10,143,785, plus strand): 5'-AGAGTCTGTGGCCTCGTGGAAGAACAGAGGCCTCTGCTGACCTGTAGAACTTGTTGACCC[G>A]GATTTTGATGTCAGTCTCATTGGGCCTGCCGTTGCTCTTCTTGGGACAGAAGATCTCTTT-3'
Protein context (NP_001124295.1, residues 1023-1043): GRPNETDIKI[Arg1033Trp]VNKFYRPENT

ClinVar aggregate classification (germline): Conflicting classifications of pathogenicity. Review status: criteria provided, conflicting classifications (1 of 4 stars). 4 submissions from 4 submitters: Uncertain significance (3); Likely benign (1). Last evaluated 2026-09-01.

Conditions:
Hereditary sensory neuropathy-deafness-dementia syndrome. Also called: NEUROPATHY, HEREDITARY SENSORY, WITH HEARING LOSS AND DEMENTIA; HSN IE; Hereditary Sensory and Autonomic Neuropathy Type 1E (HSAN1E); Hereditary sensory neuropathy type IE. Identifiers: Orphanet 456318, MedGen C3279885, MONDO:0013584, OMIM 614116.
DNMT1-related disorder. Also called: DNMT1-related condition. Identifiers: MedGen CN381527.

Allele frequency attached by ClinVar (database versions not stated): gnomAD 0.00011 and 0.00012; TOPMed 0.00014; ESP Exome Variant Server 0.00031.
gnomAD v4.1: 59 of 1,614,008 alleles (0.0037%); highest among the groups gnomAD compares: African/African-American, 0.028%; no homozygotes.

Submissions (4):

CeGaT Center for Human Genetics Tuebingen
Classification: Uncertain significance. Last evaluated: 2026-09-01. Review status: criteria provided, single submitter. Criteria: CeGaT Center For Human Genetics Tuebingen Variant Classification Criteria Version 2. Collection method: clinical testing. Allele origin: germline. Affected: yes. Observed: 1 variant allele.

PreventionGenetics, part of Exact Sciences
Classification: Uncertain significance for DNMT1-related condition. Last evaluated: 2026-05-19. Review status: criteria provided, single submitter. Criteria: ACMG Guidelines, 2015. Collection method: clinical testing. Allele origin: germline.
Comment: The DNMT1 c.3097C>T variant is predicted to result in the amino acid substitution p.Arg1033Trp. To our knowledge, this variant has not been reported in the literature. This variant is reported in 0.036% of alleles in individuals of African descent in gnomAD. Although we suspect that this variant may be benign, at this time, the clinical significance of this variant is uncertain due to the absence of conclusive functional and genetic evidence.

Labcorp Genetics (formerly Invitae), Labcorp
Classification: Likely benign for Hereditary sensory neuropathy-deafness-dementia syndrome. Last evaluated: 2025-08-03. Review status: criteria provided, single submitter. Criteria: Invitae Variant Classification Sherloc (09022015). Collection method: clinical testing. Allele origin: germline.

MGZ Medical Genetics Center
Classification: Uncertain significance for Hereditary sensory neuropathy-deafness-dementia syndrome. Last evaluated: 2022-04-28. Review status: criteria provided, single submitter. Criteria: ACMG Guidelines, 2015. Collection method: clinical testing. Allele origin: germline. Affected: yes. Observed: 1 variant allele.
Comment: ACMG criteria applied: PM2_SUP, PP2, PP3